The following is an entry in ClinVar:

NM_000059.4(BRCA2):c.674del (p.Thr225fs)

Gene: BRCA2 (BRCA2 DNA repair associated; plus strand). Cytogenetic location: 13q13.1.
Variant type: Deletion.
Coding change: c.674del on transcript NM_000059.4 (MANE Select); coding-DNA position 674, one base deleted (C; older notation c.674delC).
Protein change: p.Thr225fs; shifts the reading frame from threonine 225.
Molecular consequence: frameshift variant.
Genome position (GRCh38, 1-based): chr13:32,329,485, C deleted. VCF-style (leftmost placement, unchanged base first): chr13-32329484-AC-A. GRCh37 (hg19) VCF-style: chr13-32903621-AC-A.
Other names: c.674delC (NM_000059.3).
Identifiers: ClinVar variation 254480 (VCV000254480.12), dbSNP rs886038054, ClinGen allele CA10586483.

ClinVar aggregate classification (germline): Pathogenic. Review status: reviewed by expert panel (3 of 4 stars). 6 submissions from 6 submitters: Pathogenic (1). 5 of the submissions do not count toward it. Last evaluated 2016-09-08.

Conditions:
Hereditary cancer-predisposing syndrome. Also called: Tumor predisposition; Neoplastic Syndromes, Hereditary; Hereditary Cancer Syndrome; Hereditary neoplastic syndrome. Identifiers: Orphanet 140162, MedGen C0027672, MeSH D009386, MONDO:0015356.
Breast-ovarian cancer, familial, susceptibility to, 2 (BROVCA2). Also called: BRCA2 Hereditary Breast and Ovarian Cancer. Identifiers: Orphanet 145, MedGen C2675520, MONDO:0012933, OMIM 612555. Disease mechanism: loss of function.

Submissions (6):

Evidence-based Network for the Interpretation of Germline Mutant Alleles (ENIGMA)
Classification: Pathogenic for Breast-ovarian cancer, familial, susceptibility to, 2. Last evaluated: 2016-09-08. Review status: reviewed by expert panel. Criteria: ENIGMA BRCA1/2 Classification Criteria (2015). Collection method: curation. Allele origin: germline.
Comment: Variant allele predicted to encode a truncated non-functional protein.

Ambry Genetics
Classification: Pathogenic for Hereditary cancer-predisposing syndrome. Last evaluated: 2026-08-05. Review status: criteria provided, single submitter. Criteria: Ambry Variant Classification Scheme 2023. Collection method: clinical testing. Allele origin: germline. Not counted in ClinVar's aggregate classification.
Comment: The c.674delC pathogenic mutation, located in coding exon 7 of the BRCA2 gene, results from a deletion of one nucleotide at nucleotide position 674, causing a translational frameshift with a predicted alternate stop codon (p.T225Ifs*5). This variant is considered to be rare based on population cohorts in the Genome Aggregation Database (gnomAD). This alteration is expected to result in loss of function by premature protein truncation or nonsense-mediated mRNA decay. As such, this alteration is interpreted as a disease-causing mutation.

Color Diagnostics, LLC DBA Color Health
Classification: Pathogenic for Hereditary cancer-predisposing syndrome. Last evaluated: 2020-05-18. Review status: criteria provided, single submitter. Criteria: ACMG Guidelines, 2015. Collection method: clinical testing. Allele origin: germline. Not counted in ClinVar's aggregate classification.
Comment: This variant deletes 1 nucleotide in exon 8 of the BRCA2 gene, creating a frameshift and premature translation stop signal. This variant is expected to result in an absent or non-functional protein product. To our knowledge, this variant has not been reported in individuals affected with hereditary cancer in the literature. This variant has not been identified in the general population by the Genome Aggregation Database (gnomAD). Loss of BRCA2 function is a known mechanism of disease. Based on the available evidence, this variant is classified as Pathogenic.

Consortium of Investigators of Modifiers of BRCA1/2 (CIMBA), c/o University of Cambridge
Classification: Pathogenic for Breast-ovarian cancer, familial, susceptibility to, 2. Last evaluated: 2015-10-02. Review status: criteria provided, single submitter. Criteria: CIMBA Mutation Classification guidelines May 2016. Collection method: clinical testing. Allele origin: germline. Not counted in ClinVar's aggregate classification.

Clinical Genetics Laboratory, Department of Pathology, Netherlands Cancer Institute
Classification: Pathogenic. Review status: no assertion criteria provided. Collection method: clinical testing. Allele origin: germline. Affected: yes. Study: VKGL Data-share Consensus. Not counted in ClinVar's aggregate classification.

Diagnostic Laboratory, Department of Genetics, University Medical Center Groningen
Classification: Pathogenic. Review status: no assertion criteria provided. Collection method: clinical testing. Allele origin: germline. Affected: yes. Study: VKGL Data-share Consensus. Not counted in ClinVar's aggregate classification.